The following is an entry in ClinVar:

ClinVar aggregate classification (germline): Pathogenic (1 of 4 stars; one submission).

Conditions:
Thrombophilia due to protein C deficiency, autosomal dominant. Also called: PROC DEFICIENCY, AUTOSOMAL DOMINANT; PROTEIN C DEFICIENCY, AUTOSOMAL DOMINANT. Identifiers: Orphanet 745, MedGen C2674321, MONDO:0008316, OMIM 176860. Disease mechanism: loss of function.

gnomAD v4.1: 1 of 1,566,092 alleles (0.000064%); highest among the groups gnomAD compares: African/African-American, 0.0014%; no homozygotes.

Submission:

Labcorp Genetics (formerly Invitae), Labcorp
Classification: Pathogenic for Thrombophilia due to protein C deficiency, autosomal dominant. Last evaluated: 2024-05-14. Review status: criteria provided, single submitter. Criteria: Invitae Variant Classification Sherloc (09022015). Collection method: clinical testing. Allele origin: germline.
Comment: This sequence change affects a donor splice site in intron 5 of the PROC gene. It is expected to disrupt RNA splicing. Variants that disrupt the donor or acceptor splice site typically lead to a loss of protein function (PMID: 16199547), and loss-of-function variants in PROC are known to be pathogenic (PMID: 17152060). This variant is not present in population databases (gnomAD no frequency). Disruption of this splice site has been observed in individuals with 32717757, 22627591 (protein C deficiency). Algorithms developed to predict the effect of sequence changes on RNA splicing suggest that this variant may disrupt the consensus splice site. For these reasons, this variant has been classified as Pathogenic.

Literature cited by the submitters: PubMed 16199547; PubMed 17152060.

NM_000312.4(PROC):c.400+2T>A

Gene: PROC (protein C, inactivator of coagulation factors Va and VIIIa; plus strand). Cytogenetic location: 2q14.3.
Variant type: single nucleotide variant.
Coding change: c.400+2T>A on transcript NM_000312.4 (MANE Select); the canonical splice donor site of the intron after coding-DNA position 400, T replaced by A.
Molecular consequence: splice donor variant. On other transcripts: synonymous variant (3), missense variant (1).
Genome position (GRCh38, 1-based): chr2:127,423,173, T>A. VCF-style: chr2-127423173-T-A. GRCh37 (hg19) VCF-style: chr2-128180749-T-A.
Other names: c.465T>A, p.Gly155= (NM_001375603.1); c.402T>A, p.Gly134= (NM_001375605.1); c.557T>A, p.Val186Glu (NM_001375606.1); c.486T>A, p.Gly162= (NM_001375607.1); c.400+2T>A (NM_001375611.1, NM_001375608.1, NM_001375613.1); c.583+2T>A (NM_001375602.1); c.394+2T>A (NM_001375610.1); c.463+2T>A (NM_001375604.1); and 1 more; short protein forms V186E.
Identifiers: ClinVar variation 3716585 (VCV003716585.2).